The following is an entry in ClinVar:

ClinVar aggregate classification (germline): Likely benign (1 of 4 stars; one submission).

Allele frequency attached by ClinVar (database versions not stated): gnomAD exomes 0.00002; gnomAD 0.00003; TOPMed 0.00005.
gnomAD v4.1: 35 of 1,610,724 alleles (0.0022%); highest among the groups gnomAD compares: East Asian, 0.022%; no homozygotes.

Submission:

CeGaT Center for Human Genetics Tuebingen
Classification: Likely benign. Last evaluated: 2023-11-01. Review status: criteria provided, single submitter. Criteria: CeGaT Center For Human Genetics Tuebingen Variant Classification Criteria Version 2. Collection method: clinical testing. Allele origin: germline. Affected: yes. Observed: 1 variant allele.
Comment: PIP5K1C: BP4, BP7

NM_012398.3(PIP5K1C):c.270C>T (p.Thr90=)

Gene: PIP5K1C (phosphatidylinositol-4-phosphate 5-kinase type 1 gamma; minus strand). Cytogenetic location: 19p13.3.
Variant type: single nucleotide variant.
Coding change: c.270C>T on transcript NM_012398.3 (MANE Select); coding-DNA position 270, C replaced by T.
Protein change: p.Thr90=; no amino-acid change (threonine 90 retained).
Molecular consequence: synonymous variant.
Genome position (GRCh38, 1-based): chr19:3,661,951, G>A on the plus strand (C>T on the coding strand, the complement: PIP5K1C is on the minus strand). VCF-style: chr19-3661951-G-A. GRCh37 (hg19) VCF-style: chr19-3661949-G-A.
Other names: c.270C>T, p.Thr90= (NM_001195733.2, NM_001300849.2).
Identifiers: ClinVar variation 2672735 (VCV002672735.23), dbSNP rs1409839136, ClinGen allele CA504963047.